The following is an entry in ClinVar:

ClinVar aggregate classification (germline): Likely pathogenic (1 of 4 stars; one submission).

Conditions:
Autosomal recessive limb-girdle muscular dystrophy type 2B (LGMDR2). Also called: MUSCULAR DYSTROPHY, LIMB-GIRDLE, TYPE 3; MUSCULAR DYSTROPHY, LIMB-GIRDLE, AUTOSOMAL RECESSIVE 2; Limb-Girdle Muscular Dystrophy Type 2B (LGMD2B); Limb-girdle muscular dystrophy, type 2B. Identifiers: Orphanet 268, MedGen C1850889, MONDO:0009676, OMIM 253601.

Submission:

Natera, Inc.
Classification: Likely pathogenic for Limb-girdle muscular dystrophy type 2B. Last evaluated: 2024-04-19. Review status: criteria provided, single submitter. Criteria: Natera Variant Classification Schema (03/2026). Collection method: clinical testing. Allele origin: germline.
Comment: The c.1463delC variant in DYSF is a frameshift variant predicted to shift the reading frame beginning at codon 488 and leads to a stop codon 5 codons downstream. This variant is expected to result in nonsense mediated decay, truncation, or a dysfunctional protein product. This variant is rare in the general population with a frequency below the threshold expected for the associated phenotype(s). Given the available evidence, this variant is classified as Likely Pathogenic.

NM_001130987.2(DYSF):c.1559del (p.Pro520fs)

Gene: DYSF (dysferlin; plus strand). Cytogenetic location: 2p13.2.
Variant type: Deletion.
Coding change: c.1559del on transcript NM_001130987.2 (MANE Select); coding-DNA position 1559, one base deleted (C; older notation c.1559delC).
Protein change: p.Pro520fs; shifts the reading frame from proline 520.
Molecular consequence: frameshift variant.
Genome position (GRCh38, 1-based): chr2:71,539,222, C deleted; the last of 4 consecutive C bases (chr2:71,539,219-71,539,222); deleting any one gives the same sequence. VCF-style (leftmost placement, unchanged base first): chr2-71539218-GC-G. GRCh37 (hg19) VCF-style: chr2-71766348-GC-G.
Other names: c.1466del, p.Pro489fs (NM_001130455.2, NM_001130983.2, NM_001130984.2 and 1 more transcripts); c.1463del, p.Pro488fs (NM_001130976.2, NM_001130977.2, NM_001130978.2 and 1 more transcripts); c.1556del, p.Pro519fs (NM_001130979.2, NM_001130980.2, NM_001130981.2); c.1559del, p.Pro520fs (NM_001130982.2, NM_001130985.2); short protein forms P488fs, P489fs, P519fs, P520fs.
Identifiers: ClinVar variation 4815127 (VCV004815127.1).